The following is an entry in ClinVar:

NM_001004334.4(GPR179):c.5054C>T (p.Ala1685Val)

Gene: GPR179 (G protein-coupled receptor 179; minus strand). Cytogenetic location: 17q12.
Variant type: single nucleotide variant.
Coding change: c.5054C>T on transcript NM_001004334.4 (MANE Select); coding-DNA position 5054, C replaced by T.
Protein change: p.Ala1685Val; replaces alanine 1685 with valine.
Molecular consequence: missense variant.
Genome position (GRCh38, 1-based): chr17:38,328,515, G>A on the plus strand (C>T on the coding strand, the complement: GPR179 is on the minus strand). VCF-style: chr17-38328515-G-A. GRCh37 (hg19) VCF-style: chr17-36484398-G-A.
Other names: short protein forms A1685V.
Identifiers: ClinVar variation 1955715 (VCV001955715.3), dbSNP rs1390129798, ClinGen allele CA398873685.
Genomic context (GRCh38, chr17:38,328,515, plus strand): 5'-CAGATTTCTGCCTTCCCAGCAGTCAAGTTTTCCTCCACATCCAAAGGGCAAATGTCGGCA[G>A]CTTTGCTTCCCACACTGCCTGACATCTGGAGAAGGGTTTGGGGTCTCTCTGTGTCTTGAG-3'
Protein context (NP_001004334.3, residues 1675-1695): LQMSGSVGSK[Ala1685Val]ADICPLDVEE

ClinVar aggregate classification (germline): Uncertain significance (1 of 4 stars; one submission).

Allele frequency attached by ClinVar (database versions not stated): gnomAD exomes below 0.00001.

Submission:

Labcorp Genetics (formerly Invitae), Labcorp
Classification: Uncertain significance. Last evaluated: 2025-11-28. Review status: criteria provided, single submitter. Criteria: Invitae Variant Classification Sherloc (09022015). Collection method: clinical testing. Allele origin: germline.
Comment: This sequence change replaces alanine, which is neutral and non-polar, with valine, which is neutral and non-polar, at codon 1685 of the GPR179 protein (p.Ala1685Val). This variant is present in population databases (no rsID available, gnomAD 0.003%). This variant has not been reported in the literature in individuals affected with GPR179-related conditions. ClinVar contains an entry for this variant (Variation ID: 1955715). An algorithm developed to predict the effect of missense changes on protein structure and function (PolyPhen-2) suggests that this variant is likely to be tolerated. In summary, the available evidence is currently insufficient to determine the role of this variant in disease. Therefore, it has been classified as a Variant of Uncertain Significance.